The following is an entry in ClinVar:

NM_001037335.2(HELZ2):c.5640G>A (p.Gly1880=)

Gene: HELZ2 (helicase with zinc finger 2; minus strand). Cytogenetic location: 20q13.33.
Variant type: single nucleotide variant.
Coding change: c.5640G>A on transcript NM_001037335.2 (MANE Select); coding-DNA position 5640, G replaced by A.
Protein change: p.Gly1880=; no amino-acid change (glycine 1880 retained).
Molecular consequence: synonymous variant.
Genome position (GRCh38, 1-based): chr20:63,563,182, C>T on the plus strand (G>A on the coding strand, the complement: HELZ2 is on the minus strand). VCF-style: chr20-63563182-C-T. GRCh37 (hg19) VCF-style: chr20-62194535-C-T.
Other names: c.3933G>A, p.Gly1311= (NM_033405.3).
Identifiers: ClinVar variation 2652553 (VCV002652553.24), dbSNP rs2516860208, ClinGen allele CA511656912.

ClinVar aggregate classification (germline): Likely benign (1 of 4 stars; one submission).

Submission:

CeGaT Center for Human Genetics Tuebingen
Classification: Likely benign. Last evaluated: 2022-04-01. Review status: criteria provided, single submitter. Criteria: CeGaT Center For Human Genetics Tuebingen Variant Classification Criteria Version 2. Collection method: clinical testing. Allele origin: germline. Affected: yes. Observed: 1 variant allele.
Comment: HELZ2: PM2:Supporting, BP4, BP7